The following is an entry in ClinVar:

ClinVar aggregate classification (germline): Uncertain significance. Review status: criteria provided, multiple submitters, no conflicts (2 of 4 stars). 3 submissions from 3 submitters: Uncertain significance (3). Last evaluated 2024-11-22.

Conditions:
Hereditary pancreatitis (PCTT). Also called: Hereditary chronic pancreatitis; PRSS1-Related Hereditary Pancreatitis. Identifiers: Orphanet 676, MedGen C0238339, MONDO:0008185, OMIM 167800.

Allele frequency attached by ClinVar (database versions not stated): gnomAD 0.00001 and 0.00002; TOPMed 0.00001.

Submissions (3):

Ambry Genetics
Classification: Uncertain significance for Hereditary pancreatitis. Last evaluated: 2024-11-22. Review status: criteria provided, single submitter. Criteria: Ambry Variant Classification Scheme 2023. Collection method: clinical testing. Allele origin: germline.
Comment: The p.R241W variant (also known as c.721C>T), located in coding exon 7 of the CTRC gene, results from a C to T substitution at nucleotide position 721. The arginine at codon 241 is replaced by tryptophan, an amino acid with dissimilar properties. This amino acid position is poorly conserved in available vertebrate species, and tryptophan is the reference amino acid in other vertebrate species. In addition, this alteration is predicted to be tolerated by in silico analysis. Since supporting evidence is limited at this time, the clinical significance of this alteration remains unclear.

Labcorp Genetics (formerly Invitae), Labcorp
Classification: Uncertain significance for Hereditary pancreatitis. Last evaluated: 2024-07-26. Review status: criteria provided, single submitter. Criteria: Invitae Variant Classification Sherloc (09022015). Collection method: clinical testing. Allele origin: germline.
Comment: This sequence change replaces arginine, which is basic and polar, with tryptophan, which is neutral and slightly polar, at codon 241 of the CTRC protein (p.Arg241Trp). This variant is present in population databases (rs771229796, gnomAD 0.003%). This variant has not been reported in the literature in individuals affected with CTRC-related conditions. ClinVar contains an entry for this variant (Variation ID: 826915). Advanced modeling of protein sequence and biophysical properties (such as structural, functional, and spatial information, amino acid conservation, physicochemical variation, residue mobility, and thermodynamic stability) performed at Invitae indicates that this missense variant is not expected to disrupt CTRC protein function with a negative predictive value of 95%. In summary, the available evidence is currently insufficient to determine the role of this variant in disease. Therefore, it has been classified as a Variant of Uncertain Significance.

Fulgent Genetics
Classification: Uncertain significance for Hereditary pancreatitis. Last evaluated: 2024-06-05. Review status: criteria provided, single submitter. Criteria: ACMG Guidelines, 2015. Collection method: clinical testing. Allele origin: germline.

NM_007272.3(CTRC):c.721C>T (p.Arg241Trp)

Gene: CTRC (chymotrypsin C; plus strand). Cytogenetic location: 1p36.21.
Variant type: single nucleotide variant.
Coding change: c.721C>T on transcript NM_007272.3 (MANE Select); coding-DNA position 721, C replaced by T.
Protein change: p.Arg241Trp; replaces arginine 241 with tryptophan.
Molecular consequence: missense variant.
Genome position (GRCh38, 1-based): chr1:15,445,678, C>T. VCF-style: chr1-15445678-C-T. GRCh37 (hg19) VCF-style: chr1-15772173-C-T.
Other names: short protein forms R241W.
Identifiers: ClinVar variation 826915 (VCV000826915.17), dbSNP rs771229796, ClinGen allele CA613453.